The following is an entry in ClinVar:

ClinVar aggregate classification (germline): Pathogenic. Review status: reviewed by expert panel (3 of 4 stars). 11 submissions from 11 submitters: Pathogenic (1). 10 of the submissions do not count toward it. Last evaluated 2016-04-03.

Conditions:
Hereditary cancer-predisposing syndrome. Also called: Hereditary Cancer Syndrome; Hereditary neoplastic syndrome; Tumor predisposition; Neoplastic Syndromes, Hereditary. Identifiers: Orphanet 140162, MedGen C0027672, MeSH D009386, MONDO:0015356.
Hereditary breast ovarian cancer syndrome. Also called: Hereditary breast and ovarian cancer syndrome; Hereditary breast and ovarian cancer syndrome (HBOC); BRCA1- and BRCA2-Associated Hereditary Breast and Ovarian Cancer; Breast and ovarian cancer; Hereditary breast and ovarian cancer; Hereditary breast and/or ovarian cancer syndrome. Identifiers: Orphanet 145, MedGen C0677776, MeSH D061325, MONDO:0003582. Disease mechanism: loss of function.
Breast-ovarian cancer, familial, susceptibility to, 1 (BROVCA1). Also called: OVARIAN CANCER, SUSCEPTIBILITY TO; BRCA1 Hereditary Breast and Ovarian Cancer. Identifiers: Orphanet 145, MedGen C2676676, MONDO:0011450, OMIM 604370. Disease mechanism: loss of function.

Submissions (12):

Evidence-based Network for the Interpretation of Germline Mutant Alleles (ENIGMA)
Classification: Pathogenic for Breast-ovarian cancer, familial, susceptibility to, 1. Last evaluated: 2016-04-03. Review status: reviewed by expert panel. Criteria: ENIGMA BRCA1/2 Classification Criteria (2015). Collection method: curation. Allele origin: germline.
Comment: Allele-specific assay on patient-derived mRNA demonstrated that the variant allele produces only predicted non-functional transcripts. Variant allele produces r.4987_5074del transcript (encoding predicted non-functional protein).

Labcorp Genetics (formerly Invitae), Labcorp
Classification: Pathogenic for Hereditary breast ovarian cancer syndrome. Last evaluated: 2025-11-04. Review status: criteria provided, single submitter. Criteria: Invitae Variant Classification Sherloc (09022015). Collection method: clinical testing. Allele origin: germline. Not counted in ClinVar's aggregate classification.
Comment: This sequence change affects an acceptor splice site in intron 15 of the BRCA1 gene. It is expected to disrupt RNA splicing. Variants that disrupt the donor or acceptor splice site typically lead to a loss of protein function (PMID: 16199547), and loss-of-function variants in BRCA1 are known to be pathogenic (PMID: 20104584). This variant is not present in population databases (gnomAD no frequency). Disruption of this splice site has been observed in individual(s) with breast cancer (PMID: 26681312). This variant is also known as IVS16-1G>A. ClinVar contains an entry for this variant (Variation ID: 182165). Studies have shown that disruption of this splice site alters mRNA splicing and is expected to lead to the loss of protein expression (PMID: 23451180). For these reasons, this variant has been classified as Pathogenic.

Ambry Genetics
Classification: Pathogenic for Hereditary cancer-predisposing syndrome. Last evaluated: 2025-09-09. Review status: criteria provided, single submitter. Criteria: Ambry Variant Classification Scheme 2023. Collection method: clinical testing. Allele origin: germline. Not counted in ClinVar's aggregate classification.
Comment: The c.4987-1G>A intronic pathogenic mutation results from a G to A substitution one nucleotide upstream from coding exon 15 of the BRCA1 gene. This alteration was identified in 1/10030 consecutive patients referred for evaluation by an NGS hereditary cancer panel (Susswein LR et al. Genet Med, 2016 08;18:823-32). One functional study found that this nucleotide substitution is non-functional in a high-throughput, genome editing, haploid cell survival assay (Findlay GM et al. Nature, 2018 10;562:217-222). This alteration was also identified in a large, worldwide study of BRCA1/2 mutation positive families (Rebbeck TR et al. Hum Mutat, 2018 05;39:593-620). Two other alterations impacting the same acceptor site (c.4987-1G>A and c.4987-2A>C) have been described as non-functional in a high-throughput, genome editing, haploid cell survival assay (Findlay GM et al. Nature, 2018 10;562:217-222). This variant is considered to be rare based on population cohorts in the Genome Aggregation Database (gnomAD). In silico splice site analysis predicts that this alteration will weaken the native splice acceptor site. RNA studies have demonstrated that this alteration results in abnormal splicing in the set of samples tested (Ambry internal data). In addition to the clinical data presented in the literature, alterations that disrupt the canonical splice site are expected to cause aberrant splicing, resulting in an abnormal protein or a transcript that is subject to nonsense-mediated mRNA decay. Based on the supporting evidence, this alteration is interpreted as a disease-causing mutation.

Dasa
Classification: Pathogenic for Breast-ovarian cancer, familial, susceptibility to, 1. Last evaluated: 2025-08-25. Review status: criteria provided, single submitter. Criteria: DASA Assertion Criteria. Collection method: clinical testing. Allele origin: germline. Not counted in ClinVar's aggregate classification.
Comment: NM_007294.4(BRCA1):c.4987-1G>A introduces a premature termination codon predicted to result in loss of normal protein function. Loss-of-function is an established mechanism of disease for this gene. Functional evidence supports a deleterious effect on the gene or gene product (PMID: 30209399). This variant has been reported in individuals with Breast-ovarian cancer, familial, susceptibility to, 1 (PMID: 30209399). The variant is present at low frequency in population datasets. Based on the available data, this variant is classified as pathogenic.

Quest Diagnostics Nichols Institute San Juan Capistrano
Classification: Pathogenic. Last evaluated: 2024-12-23. Review status: criteria provided, single submitter. Criteria: Quest Diagnostics criteria. Collection method: clinical testing. Allele origin: unknown. Not counted in ClinVar's aggregate classification.
Comment: The BRCA1 c.4987-1G>A variant disrupts a canonical splice-acceptor site and interferes with normal BRCA1 mRNA splicing. This variant has been reported in the published literature in in an individual with ovarian cancer (PMID: 36367610 (2023)). Experimental results suggest that this variant results in out-of-frame exon skipping and loss of BRCA1 function (PMID: 23451180 (2013)). This variant has not been reported in large, multi-ethnic general populations (Genome Aggregation Database). Based on the available information, this variant is classified as pathogenic.

Color Diagnostics, LLC DBA Color Health
Classification: Pathogenic for Hereditary cancer-predisposing syndrome. Last evaluated: 2021-11-09. Review status: criteria provided, single submitter. Criteria: ACMG Guidelines, 2015. Collection method: clinical testing. Allele origin: germline. Not counted in ClinVar's aggregate classification.
Comment: This variant causes a G to A nucleotide substitution at the -1 position of intron 15 of the BRCA1 gene. An RNA study has shown that this variant causes out-of-frame skipping of exon 16, resulting in premature truncation (PMID: 23451180). A functional study has shown that this variant impacts BRCA1 function in a human haploid cell proliferation assay (PMID: 30209399). This variant has been detected in an individual affected with breast cancer, a family suspected of hereditary breast and ovarian cancer and a family among CIMBA participants (PMID: 23451180, 26681312, 29446198). This variant has not been identified in the general population by the Genome Aggregation Database (gnomAD). Loss of BRCA1 function is a known mechanism of disease. Based on the available evidence, this variant is classified as Pathogenic.

GeneDx
Classification: Pathogenic. Last evaluated: 2017-04-05. Review status: criteria provided, single submitter. Criteria: GeneDx Variant Classification (06012015). Collection method: clinical testing. Allele origin: germline. Affected: yes. Not counted in ClinVar's aggregate classification.
Comment: This variant is denoted BRCA1 c.4987-1G>A or IVS15-1G>A and consists of a G>A nucleotide substitution at the -1 position of intron 15 of the BRCA1 gene. Using alternate nomenclature, this variant would be defined as BRCA1 5106-1G>A, IVS16-1G>A. This variant destroys a canonical splice acceptor site and is predicted to cause abnormal gene splicing, leading to either an abnormal message that is subject to nonsense-mediated mRNA decay or to an abnormal protein product. This variant has been shown to cause skipping of exon 17 (exon 16 using internal nomenclature) by RT-PCR studies (Colombo 2013). Based on the current evidence, we consider this variant to be pathogenic.

ARUP Laboratories, Molecular Genetics and Genomics, ARUP Laboratories
Classification: Pathogenic. Last evaluated: 2016-08-19. Review status: criteria provided, single submitter. Criteria: ARUP Molecular Germline Variant Investigation Process. Collection method: clinical testing. Allele origin: germline. Not counted in ClinVar's aggregate classification.

Consortium of Investigators of Modifiers of BRCA1/2 (CIMBA), c/o University of Cambridge
Classification: Pathogenic for Breast-ovarian cancer, familial, susceptibility to, 1. Last evaluated: 2015-10-02. Review status: criteria provided, single submitter. Criteria: CIMBA Mutation Classification guidelines May 2016. Collection method: clinical testing. Allele origin: germline. Not counted in ClinVar's aggregate classification.

Pathway Genomics
Classification: Likely pathogenic for Breast-ovarian cancer, familial 1. Last evaluated: 2014-10-30. Review status: criteria provided, single submitter. Criteria: ACMG Guidelines, 2015. Collection method: clinical testing. Allele origin: germline. Not counted in ClinVar's aggregate classification.

Counsyl
Classification: Pathogenic for Breast-ovarian cancer, familial, susceptibility to, 1. Last evaluated: 2017-03-28. Review status: no assertion criteria provided. Collection method: clinical testing. Allele origin: unknown. Not counted in ClinVar's aggregate classification.

Brotman Baty Institute, University of Washington
No classification provided (evidence only). Condition: Breast-ovarian cancer, familial 1. Review status: no classification provided. Collection method: in vitro. Allele origin: not applicable. Functional consequence: functionally_abnormal. Not counted in ClinVar's aggregate classification.
ClinVar note: "not provided" was previously submitted as the classification for the variant. However, the classification appeared to be based only on an observation of functional data so it was converted to no classification on 2025-07-30.

Literature cited by the submitters: PubMed 23451180 (cited by 6 submitters); PubMed 16199547 (cited by Labcorp Genetics (formerly Invitae), Labcorp); PubMed 20104584 (cited by Labcorp Genetics (formerly Invitae), Labcorp); PubMed 26681312 (cited by 4 submitters); PubMed 29446198 (cited by 3 submitters); PubMed 30209399 (cited by 4 submitters); PubMed 25724305 (cited by Quest Diagnostics Nichols Institute San Juan Capistrano); PubMed 36367610 (cited by Quest Diagnostics Nichols Institute San Juan Capistrano); PubMed 953609 (cited by Pathway Genomics); PubMed 16267036 (cited by Counsyl).

NM_007294.4(BRCA1):c.4987-1G>A

Gene: BRCA1 (BRCA1 DNA repair associated; minus strand). Cytogenetic location: 17q21.31.
Variant type: single nucleotide variant.
Coding change: c.4987-1G>A on transcript NM_007294.4 (MANE Select); the canonical splice acceptor site of the intron before coding-DNA position 4987, G replaced by A.
Molecular consequence: splice acceptor variant. On other transcripts: intron variant (1).
Genome position (GRCh38, 1-based): chr17:43,067,696, C>T on the plus strand (G>A on the coding strand, the complement: BRCA1 is on the minus strand). VCF-style: chr17-43067696-C-T. GRCh37 (hg19) VCF-style: chr17-41219713-C-T.
Other names: IVS16-1G>A; c.1534-1G>A (NM_001408458.1, NM_001408461.1, NM_001408464.1 and 7 more transcripts); c.4096-1G>A (NM_001407967.1); c.4606-1G>A (NM_001407959.1); c.4720-1G>A (NM_001407931.1, NM_001407932.1, NM_001407928.1 and 4 more transcripts); c.4843-1G>A (NM_001407747.1, NM_001407745.1, NM_001407737.1 and 21 more transcripts); c.4603-1G>A (NM_001407962.1, NM_001407960.1); c.1174-1G>A (NM_001408512.1); and 72 more.
Identifiers: ClinVar variation 182165 (VCV000182165.31), dbSNP rs730881495, ClinGen allele CA003130.
Genomic context (GRCh38, chr17:43,067,696, plus strand): 5'-TTCAGTAATTAGATTAGTTAAAGTGATGTGGTGTTTTCTGGCAAACTTGTACACGAGCAT[C>T]TGAAATTAAATCAAATATTCCATTATCATGAGTTACCTCTAGCACACAGCTCAGAATACT-3'